The following is an entry in ClinVar:

NM_152468.5(TMC8):c.913C>T (p.Leu305Phe)

Gene: TMC8 (transmembrane channel like 8; plus strand). Cytogenetic location: 17q25.3.
Variant type: single nucleotide variant.
Coding change: c.913C>T on transcript NM_152468.5 (MANE Select); coding-DNA position 913, C replaced by T.
Protein change: p.Leu305Phe; replaces leucine 305 with phenylalanine.
Molecular consequence: missense variant.
Genome position (GRCh38, 1-based): chr17:78,134,490, C>T. VCF-style: chr17-78134490-C-T. GRCh37 (hg19) VCF-style: chr17-76130571-C-T.
Other names: short protein forms L305F.
Identifiers: ClinVar variation 567371 (VCV000567371.9), dbSNP rs149997470, ClinGen allele CA8796658.

ClinVar aggregate classification (germline): Uncertain significance. Review status: criteria provided, multiple submitters, no conflicts (2 of 4 stars). 2 submissions from 2 submitters: Uncertain significance (2). Last evaluated 2024-06-03.

Conditions:
Epidermodysplasia verruciformis. Identifiers: Orphanet 302, MedGen C0014522, MONDO:0009176.
Inborn genetic diseases. Identifiers: MedGen C0950123, MeSH D030342.

Allele frequency attached by ClinVar (database versions not stated): 1000 Genomes Project 30x 0.00016; 1000 Genomes Project 0.00020; gnomAD exomes 0.00055; gnomAD 0.00059 and 0.00063; ExAC 0.00063; TOPMed 0.00063; ESP Exome Variant Server 0.00131.
gnomAD v4.1: 1,624 of 1,614,094 alleles (0.1%); highest among the groups gnomAD compares: Non-Finnish European, 0.13%; 1 homozygote.

Submissions (2):

Ambry Genetics
Classification: Uncertain significance for Inborn genetic diseases. Last evaluated: 2024-06-03. Review status: criteria provided, single submitter. Criteria: Ambry Variant Classification Scheme 2023. Collection method: clinical testing. Allele origin: germline.

Labcorp Genetics (formerly Invitae), Labcorp
Classification: Uncertain significance for Epidermodysplasia verruciformis. Last evaluated: 2022-08-13. Review status: criteria provided, single submitter. Criteria: Invitae Variant Classification Sherloc (09022015). Collection method: clinical testing. Allele origin: germline.
Comment: This sequence change replaces leucine, which is neutral and non-polar, with phenylalanine, which is neutral and non-polar, at codon 305 of the TMC8 protein (p.Leu305Phe). This variant is present in population databases (rs149997470, gnomAD 0.1%), and has an allele count higher than expected for a pathogenic variant. This variant has not been reported in the literature in individuals affected with TMC8-related conditions. ClinVar contains an entry for this variant (Variation ID: 567371). Algorithms developed to predict the effect of missense changes on protein structure and function output the following: SIFT: "Deleterious"; PolyPhen-2: "Benign"; Align-GVGD: "Class C0". The phenylalanine amino acid residue is found in multiple mammalian species, which suggests that this missense change does not adversely affect protein function. In summary, the available evidence is currently insufficient to determine the role of this variant in disease. Therefore, it has been classified as a Variant of Uncertain Significance.